The following is an entry in ClinVar:

NM_020754.4(ARHGAP31):c.2611G>A (p.Val871Ile)

Gene: ARHGAP31 (Rho GTPase activating protein 31; plus strand). Cytogenetic location: 3q13.33.
Variant type: single nucleotide variant.
Coding change: c.2611G>A on transcript NM_020754.4 (MANE Select); coding-DNA position 2611, G replaced by A.
Protein change: p.Val871Ile; replaces valine 871 with isoleucine.
Molecular consequence: missense variant.
Genome position (GRCh38, 1-based): chr3:119,414,540, G>A. VCF-style: chr3-119414540-G-A. GRCh37 (hg19) VCF-style: chr3-119133387-G-A.
Other names: c.2611G>A (NM_020754.3); short protein forms V871I.
Identifiers: ClinVar variation 3311761 (VCV003311761.2).

ClinVar aggregate classification (germline): Uncertain significance. Review status: criteria provided, multiple submitters, no conflicts (2 of 4 stars). 2 submissions from 2 submitters: Uncertain significance (2). Last evaluated 2026-06-17.

Conditions:
ARHGAP31-related disorder. Also called: ARHGAP31-related condition.
Inborn genetic diseases. Identifiers: MedGen C0950123, MeSH D030342.

gnomAD v4.1: 23 of 1,614,104 alleles (0.0014%); highest among the groups gnomAD compares: South Asian, 0.011%; 1 homozygote.

Submissions (2):

PreventionGenetics, part of Exact Sciences
Classification: Uncertain significance for ARHGAP31-related condition. Last evaluated: 2026-06-17. Review status: criteria provided, single submitter. Criteria: ACMG Guidelines, 2015. Collection method: clinical testing. Allele origin: germline.
Comment: The ARHGAP31 c.2611G>A variant is predicted to result in the amino acid substitution p.Val871Ile. To our knowledge, this variant has not been reported in the literature. This variant is present in 0.0098% of alleles in individuals of South Asian descent in gnomAD. At this time, the clinical significance of this variant is uncertain due to the absence of conclusive functional and genetic evidence.

Ambry Genetics
Classification: Uncertain significance for Inborn genetic diseases. Last evaluated: 2024-04-04. Review status: criteria provided, single submitter. Criteria: Ambry Variant Classification Scheme 2023. Collection method: clinical testing. Allele origin: germline.